The following is an entry in ClinVar:

NM_001042492.3(NF1):c.4835+29499G>A

Genes: NF1 (neurofibromin 1; plus strand), OMG (oligodendrocyte myelin glycoprotein; minus strand). Cytogenetic location: 17q11.2.
Variant type: single nucleotide variant.
Coding change: c.4835+29499G>A on transcript NM_001042492.3 (MANE Select); 29499 bases into the intron after coding-DNA position 4835, G replaced by A.
Molecular consequence: intron variant. On other transcripts: 3 prime UTR variant (1).
Genome position (GRCh38, 1-based): chr17:31,294,838, G>A. VCF-style: chr17-31294838-G-A. GRCh37 (hg19) VCF-style: chr17-29621856-G-A.
Other names: c.*171C>T (NM_002544.5); c.4772+29499G>A (NM_000267.4).
Identifiers: ClinVar variation 4891042 (VCV004891042.1).

ClinVar aggregate classification (germline): Uncertain significance (1 of 4 stars; one submission).

gnomAD v4.1: 1 of 774,756 alleles (0.00013%); highest among the groups gnomAD compares: East Asian, 0.0027%; no homozygotes.

Submission:

Greenwood Genetic Center Diagnostic Laboratories, Greenwood Genetic Center
Classification: Uncertain significance. Last evaluated: 2026-04-28. Review status: criteria provided, single submitter. Criteria: ACMG Guidelines, 2015. Collection method: clinical testing. Allele origin: germline.
Comment: PM2, BP4